The following is an entry in ClinVar:

NM_182641.4(BPTF):c.3970C>T (p.Gln1324Ter)

Gene: BPTF (bromodomain PHD finger transcription factor; plus strand). Cytogenetic location: 17q24.2.
Variant type: single nucleotide variant.
Coding change: c.3970C>T on transcript NM_182641.4 (MANE Select); coding-DNA position 3970, C replaced by T.
Protein change: p.Gln1324Ter; replaces glutamine 1324 with a stop codon.
Molecular consequence: nonsense.
Genome position (GRCh38, 1-based): chr17:67,911,854, C>T. VCF-style: chr17-67911854-C-T. GRCh37 (hg19) VCF-style: chr17-65907970-C-T.
Other names: c.4348C>T, p.Gln1450Ter (NM_004459.7); short protein forms Q1450*, Q1324*.
Identifiers: ClinVar variation 3992532 (VCV003992532.1).

ClinVar aggregate classification (germline): Pathogenic (1 of 4 stars; one submission).

Conditions:
Inborn genetic diseases. Identifiers: MedGen C0950123, MeSH D030342.

Submission:

Ambry Genetics
Classification: Pathogenic for Inborn genetic diseases. Last evaluated: 2025-05-02. Review status: criteria provided, single submitter. Criteria: Ambry Variant Classification Scheme 2023. Collection method: clinical testing. Allele origin: germline.
Comment: The c.3970C>T (p.Q1324*) alteration, located in exon 11 (coding exon 11) of the BPTF gene, consists of a C to T substitution at nucleotide position 3970. This changes the amino acid from a glutamine (Q) to a stop codon at amino acid position 1324. This alteration is expected to result in loss of function by premature protein truncation or nonsense-mediated mRNA decay. This variant was not reported in population-based cohorts in the Genome Aggregation Database (gnomAD). Based on the available evidence, this alteration is classified as pathogenic.